The following is an entry in ClinVar:

ClinVar aggregate classification (germline): Uncertain significance. Review status: criteria provided, multiple submitters, no conflicts (2 of 4 stars). 2 submissions from 2 submitters: Uncertain significance (2). Last evaluated 2021-11-11.

Conditions:
Cardiovascular phenotype. Identifiers: MedGen CN230736.
Long QT syndrome (LQTS). Identifiers: MedGen C0023976, MeSH D008133, MONDO:0002442. Disease mechanism: loss of function. Inheritance: Various modes of inheritance.

gnomAD v4.1: 3 of 1,613,978 alleles (0.00019%); highest among the groups gnomAD compares: Admixed American, 0.005%; no homozygotes.

Submissions (2):

Labcorp Genetics (formerly Invitae), Labcorp
Classification: Uncertain significance for Long QT syndrome. Last evaluated: 2021-11-11. Review status: criteria provided, single submitter. Criteria: Invitae Variant Classification Sherloc (09022015). Collection method: clinical testing. Allele origin: germline.
Comment: In summary, the available evidence is currently insufficient to determine the role of this variant in disease. Therefore, it has been classified as a Variant of Uncertain Significance. Algorithms developed to predict the effect of missense changes on protein structure and function are either unavailable or do not agree on the potential impact of this missense change (SIFT: "Tolerated"; PolyPhen-2: "Probably Damaging"; Align-GVGD: "Class C0"). This variant has not been reported in the literature in individuals affected with ANK2-related conditions. This variant is present in population databases (no rsID available, gnomAD 0.006%). This sequence change replaces serine, which is neutral and polar, with cysteine, which is neutral and slightly polar, at codon 3451 of the ANK2 protein (p.Ser3451Cys).

Ambry Genetics
Classification: Uncertain significance for Cardiovascular phenotype. Last evaluated: 2021-04-28. Review status: criteria provided, single submitter. Criteria: Ambry Variant Classification Scheme 2023. Collection method: clinical testing. Allele origin: germline.

NM_001148.6(ANK2):c.10352C>G (p.Ser3451Cys)

Gene: ANK2 (ankyrin 2; plus strand). Cytogenetic location: 4q26.
Variant type: single nucleotide variant.
Coding change: c.10352C>G on transcript NM_001148.6 (MANE Select); coding-DNA position 10352, C replaced by G.
Protein change: p.Ser3451Cys; replaces serine 3451 with cysteine.
Molecular consequence: missense variant. On other transcripts: intron variant (68).
Genome position (GRCh38, 1-based): chr4:113,358,970, C>G. VCF-style: chr4-113358970-C-G. GRCh37 (hg19) VCF-style: chr4-114280126-C-G.
Other names: c.4271-1853C>G (NM_001386160.1); c.4376-1853C>G (NM_001354254.2); c.4397-1853C>G (NM_001354239.2, NM_001354252.2); c.4298-1853C>G (NM_001354272.2); c.4361-1853C>G (NM_001354244.2, NM_001354256.2, NM_001386161.1); c.4400-1853C>G (NM_001127493.3); c.4364-1853C>G (NM_001386143.1, NM_001354243.2, NM_001354255.2); c.4265-1853C>G (NM_001354262.2, NM_001354275.2, NM_001354245.2); and 36 more; short protein forms S2251C, S3451C, S3373C, S3490C, S3498C.
Identifiers: ClinVar variation 1398128 (VCV001398128.7), dbSNP rs1219397825, ClinGen allele CA357940225.